The following is an entry in ClinVar:

NM_001113378.2(FANCI):c.2146A>G (p.Ser716Gly)

Gene: FANCI (FA complementation group I; plus strand). Cytogenetic location: 15q26.1.
Variant type: single nucleotide variant.
Coding change: c.2146A>G on transcript NM_001113378.2 (MANE Select); coding-DNA position 2146, A replaced by G.
Protein change: p.Ser716Gly; replaces serine 716 with glycine.
Molecular consequence: missense variant.
Genome position (GRCh38, 1-based): chr15:89,292,841, A>G. VCF-style: chr15-89292841-A-G. GRCh37 (hg19) VCF-style: chr15-89836072-A-G.
Other names: c.1867A>G, p.Ser623Gly (NM_001376910.1); c.2146A>G, p.Ser716Gly (NM_001376911.1, NM_018193.3); short protein forms S623G, S716G.
Identifiers: ClinVar variation 998824 (VCV000998824.4), dbSNP rs376641420, ClinGen allele CA7723286.
Genomic context (GRCh38, chr15:89,292,841, plus strand): 5'-GAGGCATTCTACGAAGACCTAGATGATATATTGGAGTCCATTACTAATAGAATGATTAAG[A>G]GTGAGCTGGAAGACTTTGAACTGGTAATTGCTAAGTCCTCAGCTGTATTGAATGATGGAG-3'
Protein context (NP_001106849.1, residues 706-726): LESITNRMIK[Ser716Gly]ELEDFELDKS

ClinVar aggregate classification (germline): Uncertain significance (1 of 4 stars; one submission).

Conditions:
Fanconi anemia (FA). Also called: Fanconi's anemia. Identifiers: Orphanet 84, MedGen C0015625, MeSH D005199, MONDO:0019391.

Allele frequency attached by ClinVar (database versions not stated): TOPMed 0.00002; ExAC 0.00003; gnomAD exomes 0.00004 and 0.00007; ESP Exome Variant Server 0.00008.
gnomAD v4.1: 107 of 1,614,022 alleles (0.0066%); highest among the groups gnomAD compares: Non-Finnish European, 0.0087%; no homozygotes.

Submission:

Labcorp Genetics (formerly Invitae), Labcorp
Classification: Uncertain significance for Fanconi anemia. Last evaluated: 2021-09-25. Review status: criteria provided, single submitter. Criteria: Invitae Variant Classification Sherloc (09022015). Collection method: clinical testing. Allele origin: germline.
Comment: This sequence change replaces serine with glycine at codon 716 of the FANCI protein (p.Ser716Gly). The serine residue is moderately conserved and there is a small physicochemical difference between serine and glycine. This variant is present in population databases (rs376641420, ExAC 0.006%). This missense change has been observed in individual(s) with breast cancer (PMID: 19737859). Algorithms developed to predict the effect of missense changes on protein structure and function are either unavailable or do not agree on the potential impact of this missense change (SIFT: "Tolerated"; PolyPhen-2: "Possibly Damaging"; Align-GVGD: "Class C0"). Algorithms developed to predict the effect of sequence changes on RNA splicing suggest that this variant may create or strengthen a splice site. In summary, the available evidence is currently insufficient to determine the role of this variant in disease. Therefore, it has been classified as a Variant of Uncertain Significance.

Literature cited by the submitters: PubMed 19737859.